The following is an entry in ClinVar:

NM_000179.3(MSH6):c.832dup (p.Ile278fs)

Gene: MSH6 (mutS homolog 6; plus strand). Cytogenetic location: 2p16.3.
Variant type: Duplication.
Coding change: c.832dup on transcript NM_000179.3 (MANE Select); coding-DNA position 832, one base duplicated (A; older notation c.832dupA).
Protein change: p.Ile278fs; shifts the reading frame from isoleucine 278.
Molecular consequence: frameshift variant. On other transcripts: 5 prime UTR variant (2).
Genome position (GRCh38, 1-based): chr2:47,798,815, A duplicated; the last of 3 consecutive A bases (chr2:47,798,813-47,798,815); duplicating any one gives the same sequence. VCF-style (leftmost placement, unchanged base first): chr2-47798812-G-GA. GRCh37 (hg19) VCF-style: chr2-48025951-G-GA.
Other names: c.442dup, p.Ile148fs (NM_001281492.2); c.-75dup (NM_001281493.2, NM_001281494.2); short protein forms I148fs, I278fs.
Identifiers: ClinVar variation 1394375 (VCV001394375.6), dbSNP rs2104300142, ClinGen allele CA2573134905.
Genomic context (GRCh38, chr2:47,798,812, plus strand): 5'-GACATTGGTGGCTCTGATGTGGAATTTAAGCCAGACACTAAGGAGGAAGGAAGCAGTGAT[G>GA]AAATAAGCAGTGGAGTGGGGGATAGTGAGAGTGAAGGCCTGAACAGCCCTGTCAAAGTTG-3'

ClinVar aggregate classification (germline): Pathogenic (1 of 4 stars; one submission).

Conditions:
Hereditary nonpolyposis colorectal neoplasms. Identifiers: MedGen C0009405, MeSH D003123.

Submission:

Labcorp Genetics (formerly Invitae), Labcorp
Classification: Pathogenic for Hereditary nonpolyposis colorectal neoplasms. Last evaluated: 2021-07-12. Review status: criteria provided, single submitter. Criteria: Invitae Variant Classification Sherloc (09022015). Collection method: clinical testing. Allele origin: germline.
Comment: This sequence change creates a premature translational stop signal (p.Ile278Asnfs*8) in the MSH6 gene. It is expected to result in an absent or disrupted protein product. Loss-of-function variants in MSH6 are known to be pathogenic (PMID: 18269114, 24362816). This variant is not present in population databases (ExAC no frequency). This variant has not been reported in the literature in individuals affected with MSH6-related conditions. For these reasons, this variant has been classified as Pathogenic.

Literature cited by the submitters: PubMed 18269114; PubMed 24362816.